The following is an entry in ClinVar:

ClinVar aggregate classification (germline): Likely benign (1 of 4 stars; one submission).

Conditions:
KCTD3-related disorder. Also called: KCTD3-related condition.

gnomAD v4.1: 12 of 1,242,028 alleles (0.00097%); highest among the groups gnomAD compares: Admixed American, 0.021%; no homozygotes.

Submission:

PreventionGenetics, part of Exact Sciences
Classification: Likely benign for KCTD3-related condition. Last evaluated: 2026-07-10. Review status: criteria provided, single submitter. Criteria: ACMG Guidelines, 2015. Collection method: clinical testing. Allele origin: germline.
Comment: This variant is classified as likely benign based on ACMG/AMP sequence variant interpretation guidelines (Richards et al. 2015 PMID: 25741868, with internal and published modifications).

NM_016121.5(KCTD3):c.83+7C>G

Gene: KCTD3 (potassium channel tetramerization domain containing 3; plus strand). Cytogenetic location: 1q41.
Variant type: single nucleotide variant.
Coding change: c.83+7C>G on transcript NM_016121.5 (MANE Select); 7 bases into the intron after coding-DNA position 83, C replaced by G.
Molecular consequence: intron variant.
Genome position (GRCh38, 1-based): chr1:215,567,775, C>G. VCF-style: chr1-215567775-C-G. GRCh37 (hg19) VCF-style: chr1-215741118-C-G.
Other names: c.-296+7C>G (NM_001319295.2); c.83+7C>G (NM_001319294.2).
Identifiers: ClinVar variation 4989634 (VCV004989634.1).